The following is an entry in ClinVar:

ClinVar aggregate classification (germline): Uncertain significance (1 of 4 stars; one submission).

Submission:

Labcorp Genetics (formerly Invitae), Labcorp
Classification: Uncertain significance. Last evaluated: 2021-02-24. Review status: criteria provided, single submitter. Criteria: Invitae Variant Classification Sherloc (09022015). Collection method: clinical testing. Allele origin: germline.
Comment: In summary, the available evidence is currently insufficient to determine the role of this variant in disease. Therefore, it has been classified as a Variant of Uncertain Significance. This sequence change replaces alanine with serine at codon 1209 of the POLE protein (p.Ala1209Ser). The alanine residue is weakly conserved and there is a moderate physicochemical difference between alanine and serine. This variant is not present in population databases (ExAC no frequency). This variant has not been reported in the literature in individuals with POLE-related conditions. Algorithms developed to predict the effect of missense changes on protein structure and function output the following: SIFT: "Tolerated"; PolyPhen-2: "Benign"; Align-GVGD: "Class C0". The serine amino acid residue is found in multiple mammalian species, suggesting that this missense change does not adversely affect protein function. These predictions have not been confirmed by published functional studies and their clinical significance is uncertain.

NM_006231.4(POLE):c.3625G>T (p.Ala1209Ser)

Gene: POLE (DNA polymerase epsilon, catalytic subunit; minus strand). Cytogenetic location: 12q24.33.
Variant type: single nucleotide variant.
Coding change: c.3625G>T on transcript NM_006231.4 (MANE Select); coding-DNA position 3625, G replaced by T.
Protein change: p.Ala1209Ser; replaces alanine 1209 with serine.
Molecular consequence: missense variant.
Genome position (GRCh38, 1-based): chr12:132,649,847, C>A on the plus strand (G>T on the coding strand, the complement: POLE is on the minus strand). VCF-style: chr12-132649847-C-A. GRCh37 (hg19) VCF-style: chr12-133226433-C-A.
Other names: short protein forms A1209S.
Identifiers: ClinVar variation 1045943 (VCV001045943.9), dbSNP rs2042383066, ClinGen allele CA387386933.